The following is an entry in ClinVar:

ClinVar aggregate classification (germline): Uncertain significance (1 of 4 stars; one submission).

gnomAD v4.1: 1 of 1,614,066 alleles (0.000062%); highest among the groups gnomAD compares: African/African-American, 0.0013%; no homozygotes.

Submission:

Labcorp Genetics (formerly Invitae), Labcorp
Classification: Uncertain significance. Last evaluated: 2025-03-22. Review status: criteria provided, single submitter. Criteria: Invitae Variant Classification Sherloc (09022015). Collection method: clinical testing. Allele origin: germline.
Comment: This sequence change falls in intron 6 of the ANKZF1 gene. It does not directly change the encoded amino acid sequence of the ANKZF1 protein. It affects a nucleotide within the consensus splice site. This variant is present in population databases (no rsID available, gnomAD 0.007%). This variant has not been reported in the literature in individuals affected with ANKZF1-related conditions. Variants that disrupt the consensus splice site are a relatively common cause of aberrant splicing (PMID: 17576681, 9536098). Algorithms developed to predict the effect of sequence changes on RNA splicing suggest that this variant may disrupt the consensus splice site. In summary, the available evidence is currently insufficient to determine the role of this variant in disease. Therefore, it has been classified as a Variant of Uncertain Significance.

Literature cited by the submitters: PubMed 17576681; PubMed 9536098.

NM_018089.3(ANKZF1):c.671+4A>C

Gene: ANKZF1 (ankyrin repeat and zinc finger peptidyl tRNA hydrolase 1; plus strand). Cytogenetic location: 2q35.
Variant type: single nucleotide variant.
Coding change: c.671+4A>C on transcript NM_018089.3 (MANE Select); 4 bases into the intron after coding-DNA position 671, A replaced by C.
Molecular consequence: intron variant.
Genome position (GRCh38, 1-based): chr2:219,233,195, A>C. VCF-style: chr2-219233195-A-C. GRCh37 (hg19) VCF-style: chr2-220097917-A-C.
Other names: c.671+4A>C (NM_001042410.2); c.41+4A>C (NM_001282792.2).
Identifiers: ClinVar variation 3690948 (VCV003690948.2).
Genomic context (GRCh38, chr2:219,233,195, plus strand): 5'-AGACTGCGTGGTGCTCATGGCTGCAGCTGGGCACTTTGCTGGTGCTATATTTCAAGGGTG[A>C]GAGGGTGCTGCATGGGGGTAAGGATGGAGTGGATCCTGTTAGCCAGGGAGCACCAGCTGG-3'